The following is an entry in ClinVar:

ClinVar aggregate classification (germline): Conflicting classifications of pathogenicity. Review status: criteria provided, conflicting classifications (1 of 4 stars). 5 submissions from 5 submitters: Likely pathogenic (2); Uncertain significance (3). Last evaluated 2026-01-12.

Conditions:
CNGA3-related disorder. Also called: CNGA3-related condition.
Retinal dystrophy. Also called: Inherited retinal dystrophy. Identifiers: Orphanet 71862, MedGen C0854723, MeSH D058499, MONDO:0019118, HP:0000556.
Achromatopsia. Also called: Rod monochromatism. Identifiers: Orphanet 49382, MedGen C0152200, MONDO:0018852, HP:0011516.

Allele frequency attached by ClinVar (database versions not stated): ExAC 0.00011; TOPMed 0.00015; gnomAD exomes 0.00016; gnomAD 0.00017 and 0.00018; 1000 Genomes Project 0.00020; 1000 Genomes Project 30x 0.00031.
gnomAD v4.1: 518 of 1,614,134 alleles (0.032%); highest among the groups gnomAD compares: Non-Finnish European, 0.042%; no homozygotes.

Submissions (5):

Labcorp Genetics (formerly Invitae), Labcorp
Classification: Uncertain significance. Last evaluated: 2026-01-12. Review status: criteria provided, single submitter. Criteria: Invitae Variant Classification Sherloc (09022015). Collection method: clinical testing. Allele origin: germline.
Comment: This sequence change replaces arginine, which is basic and polar, with histidine, which is basic and polar, at codon 290 of the CNGA3 protein (p.Arg290His). This variant is present in population databases (rs199837807, gnomAD 0.03%). This missense change has been observed in individual(s) with achromatopsia (PMID: 30418171). ClinVar contains an entry for this variant (Variation ID: 503561). Invitae Evidence Modeling of protein sequence and biophysical properties (such as structural, functional, and spatial information, amino acid conservation, physicochemical variation, residue mobility, and thermodynamic stability) has been performed for this missense variant. However, the output from this modeling did not meet the statistical confidence thresholds required to predict the impact of this variant on CNGA3 protein function. Experimental studies are conflicting or provide insufficient evidence to determine the effect of this variant on CNGA3 function (PMID: 30418171). In summary, the available evidence is currently insufficient to determine the role of this variant in disease. Therefore, it has been classified as a Variant of Uncertain Significance.

Blueprint Genetics
Classification: Uncertain significance. Last evaluated: 2024-10-24. Review status: criteria provided, single submitter. Criteria: ACMG Guidelines, 2015. Collection method: clinical testing. Allele origin: germline.

PreventionGenetics, part of Exact Sciences
Classification: Uncertain significance for CNGA3-related condition. Last evaluated: 2023-09-26. Review status: criteria provided, single submitter. Criteria: ACMG Guidelines, 2015. Collection method: clinical testing. Allele origin: germline.
Comment: The CNGA3 c.869G>A variant is predicted to result in the amino acid substitution p.Arg290His. This variant was reported together with homozygous pathogenic variant in CNGB3 gene in an individual with retinopathy (Burkard et al. 2018. PubMed ID: 30418171). Functional study of this variant expressed heterologously showed that this variant results in normal functional protein with lower affinity for CNGB3 which in summary suggests there is no convincing evidence of pathogenicity of this variant at this time (Burkard et al. 2018. PubMed ID: 30418171). This variant was also observed in large exome study in a healthy individual and was assessed as likely pathogenic carrier variant (Table S1, Capalbo et al 2019. PubMed ID: 31589614). This variant is reported in 0.029% of alleles in individuals of European (Non-Finnish) descent in gnomAD. At this time, the clinical significance of this variant is uncertain due to the absence of conclusive functional and genetic evidence.

Molecular Genetics Laboratory, Institute for Ophthalmic Research
Classification: Likely pathogenic for Achromatopsia. Last evaluated: 2018-03-20. Review status: criteria provided, single submitter. Criteria: ACMG Guidelines, 2015. Collection method: research. Allele origin: germline. Affected: yes.

Institute of Human Genetics, Univ. Regensburg, Univ. Regensburg
Classification: Likely pathogenic for Retinal dystrophy. Last evaluated: 2014-01-01. Review status: criteria provided, single submitter. Criteria: ACMG Guidelines, 2015. Collection method: clinical testing. Allele origin: germline. Affected: yes.

Literature cited by the submitters: PubMed 30418171 (cited by Labcorp Genetics (formerly Invitae), Labcorp and Institute of Human Genetics, Univ. Regensburg, Univ. Regensburg); PubMed 3158961 (cited by Institute of Human Genetics, Univ. Regensburg, Univ. Regensburg).

NM_001298.3(CNGA3):c.869G>A (p.Arg290His)

Gene: CNGA3 (cyclic nucleotide gated channel subunit alpha 3; plus strand). Cytogenetic location: 2q11.2.
Variant type: single nucleotide variant.
Coding change: c.869G>A on transcript NM_001298.3 (MANE Select); coding-DNA position 869, G replaced by A.
Protein change: p.Arg290His; replaces arginine 290 with histidine.
Molecular consequence: missense variant.
Genome position (GRCh38, 1-based): chr2:98,396,039, G>A. VCF-style: chr2-98396039-G-A. GRCh37 (hg19) VCF-style: chr2-99012502-G-A.
Other names: c.815G>A, p.Arg272His (NM_001079878.2); short protein forms R290H, R272H.
Identifiers: ClinVar variation 503561 (VCV000503561.10), dbSNP rs199837807, ClinGen allele CA1793912.